The following is an entry in ClinVar:

NM_001035.3(RYR2):c.9988G>A (p.Ala3330Thr)

Gene: RYR2 (ryanodine receptor 2; plus strand). Cytogenetic location: 1q43.
Variant type: single nucleotide variant.
Coding change: c.9988G>A on transcript NM_001035.3 (MANE Select); coding-DNA position 9988, G replaced by A.
Protein change: p.Ala3330Thr; replaces alanine 3330 with threonine.
Molecular consequence: missense variant.
Genome position (GRCh38, 1-based): chr1:237,708,944, G>A. VCF-style: chr1-237708944-G-A. GRCh37 (hg19) VCF-style: chr1-237872244-G-A.
Other names: c.9988G>A (NM_001035.2); short protein forms A3330T.
Identifiers: ClinVar variation 925683 (VCV000925683.9), dbSNP rs1688598517, ClinGen allele CA345410535.
Genomic context (GRCh38, chr1:237,708,944, plus strand): 5'-GTGAAACCTCAGCTCTTGAAAACTCATTTCTTGCCGTTAATGGAGAAACTCAAGAAAAAG[G>A]CAGCTACGGTGGTGTCTGAGGAAGACCACCTGAAAGCTGAGGCCAGGGGGGACATGTCGG-3'
Protein context (NP_001026.2, residues 3320-3340): LPLMEKLKKK[Ala3330Thr]ATVVSEEDHL

ClinVar aggregate classification (germline): Uncertain significance. Review status: criteria provided, multiple submitters, no conflicts (2 of 4 stars). 3 submissions from 3 submitters: Uncertain significance (3). Last evaluated 2025-08-11.

Conditions:
Cardiovascular phenotype. Identifiers: MedGen CN230736.
Cardiomyopathy (CMYO). Also called: Cardiomyopathies. Identifiers: Orphanet 167848, MedGen C0878544, MONDO:0004994, HP:0001638. Inheritance: Various modes of inheritance.
Catecholaminergic polymorphic ventricular tachycardia 1. Also called: VENTRICULAR TACHYCARDIA, CATECHOLAMINERGIC POLYMORPHIC, 1, WITH OR WITHOUT ATRIAL DYSFUNCTION AND/OR DILATED CARDIOMYOPATHY; RYR2-Related Catecholaminergic Polymorphic Ventricular Tachycardia; VENTRICULAR TACHYCARDIA, STRESS-INDUCED POLYMORPHIC 1. Identifiers: Orphanet 3286, MedGen C1631597, MONDO:0011484, OMIM 604772.

Allele frequency attached by ClinVar (database versions not stated): gnomAD exomes below 0.00001.
gnomAD v4.1: 2 of 1,613,426 alleles (0.00012%); highest among the groups gnomAD compares: Admixed American, 0.0017%; no homozygotes.

Submissions (3):

Labcorp Genetics (formerly Invitae), Labcorp
Classification: Uncertain significance for Catecholaminergic polymorphic ventricular tachycardia 1. Last evaluated: 2025-08-11. Review status: criteria provided, single submitter. Criteria: Invitae Variant Classification Sherloc (09022015). Collection method: clinical testing. Allele origin: germline.
Comment: This sequence change replaces alanine, which is neutral and non-polar, with threonine, which is neutral and polar, at codon 3330 of the RYR2 protein (p.Ala3330Thr). This variant is not present in population databases (gnomAD no frequency). This variant has not been reported in the literature in individuals affected with RYR2-related conditions. ClinVar contains an entry for this variant (Variation ID: 925683). Invitae Evidence Modeling of protein sequence and biophysical properties (such as structural, functional, and spatial information, amino acid conservation, physicochemical variation, residue mobility, and thermodynamic stability) indicates that this missense variant is not expected to disrupt RYR2 protein function with a negative predictive value of 95%. In summary, the available evidence is currently insufficient to determine the role of this variant in disease. Therefore, it has been classified as a Variant of Uncertain Significance.

Color Diagnostics, LLC DBA Color Health
Classification: Uncertain significance for Cardiomyopathy. Last evaluated: 2024-03-06. Review status: criteria provided, single submitter. Criteria: ACMG Guidelines, 2015. Collection method: clinical testing. Allele origin: germline.
Comment: This variant is located in the RYR2 protein. Computational prediction suggests that this variant may not impact protein structure and function (internally defined REVEL score threshold <= 0.5, PMID: 27666373). To our knowledge, functional studies have not been reported for this variant. This variant has not been reported in individuals affected with RYR2-related disorders in the literature. This variant has not been identified in the general population by the Genome Aggregation Database (gnomAD). The available evidence is insufficient to determine the role of this variant in disease conclusively. Therefore, this variant is classified as a Variant of Uncertain Significance.

Ambry Genetics
Classification: Uncertain significance for Cardiovascular phenotype. Last evaluated: 2023-10-31. Review status: criteria provided, single submitter. Criteria: Ambry Variant Classification Scheme 2023. Collection method: clinical testing. Allele origin: germline.
Comment: The p.A3330T variant (also known as c.9988G>A), located in coding exon 69 of the RYR2 gene, results from a G to A substitution at nucleotide position 9988. The alanine at codon 3330 is replaced by threonine, an amino acid with similar properties. This amino acid position is well conserved in available vertebrate species. In addition, this alteration is predicted to be tolerated by in silico analysis. Since supporting evidence is limited at this time, the clinical significance of this alteration remains unclear.